The following is an entry in ClinVar:

NM_006736.6(DNAJB2):c.74G>A (p.Arg25His)

Gene: DNAJB2 (DnaJ heat shock protein family (Hsp40) member B2; plus strand). Cytogenetic location: 2q35.
Variant type: single nucleotide variant.
Coding change: c.74G>A on transcript NM_006736.6 (MANE Select); coding-DNA position 74, G replaced by A.
Protein change: p.Arg25His; replaces arginine 25 with histidine.
Molecular consequence: missense variant.
Genome position (GRCh38, 1-based): chr2:219,280,586, G>A. VCF-style: chr2-219280586-G-A. GRCh37 (hg19) VCF-style: chr2-220145308-G-A.
Other names: c.74G>A, p.Arg25His (NM_001039550.2); short protein forms R25H.
Identifiers: ClinVar variation 1437463 (VCV001437463.8), dbSNP rs1403156116, ClinGen allele CA350646415.

ClinVar aggregate classification (germline): Uncertain significance (1 of 4 stars; one submission).

Conditions:
Neuronopathy, distal hereditary motor, autosomal recessive 5. Also called: Spinal muscular atrophy, distal, autosomal recessive, 5; NEUROPATHY, DISTAL HEREDITARY MOTOR, AUTOSOMAL RECESSIVE 5; Young adult-onset distal hereditary motor neuropathy. Identifiers: Orphanet 314485, Orphanet 443950, MedGen C4749918, MONDO:0013947, OMIM 614881.

Allele frequency attached by ClinVar (database versions not stated): gnomAD exomes below 0.00001; TOPMed 0.00001.
gnomAD v4.1: 8 of 1,613,750 alleles (0.0005%); highest among the groups gnomAD compares: African/African-American, 0.004%; no homozygotes.

Submission:

Labcorp Genetics (formerly Invitae), Labcorp
Classification: Uncertain significance for Neuronopathy, distal hereditary motor, autosomal recessive 5. Last evaluated: 2021-03-23. Review status: criteria provided, single submitter. Criteria: Invitae Variant Classification Sherloc (09022015). Collection method: clinical testing. Allele origin: germline.
Comment: In summary, the available evidence is currently insufficient to determine the role of this variant in disease. Therefore, it has been classified as a Variant of Uncertain Significance. This sequence change replaces arginine with histidine at codon 25 of the DNAJB2 protein (p.Arg25His). The arginine residue is weakly conserved and there is a small physicochemical difference between arginine and histidine. This variant is not present in population databases (ExAC no frequency). This variant has not been reported in the literature in individuals with DNAJB2-related conditions. Algorithms developed to predict the effect of missense changes on protein structure and function are either unavailable or do not agree on the potential impact of this missense change (SIFT: "Deleterious"; PolyPhen-2: "Possibly Damaging"; Align-GVGD: "Class C0").